The following is an entry in ClinVar:

NM_001184880.2(PCDH19):c.644A>T (p.Asp215Val)

Gene: PCDH19 (protocadherin 19; minus strand). Cytogenetic location: Xq22.1.
Variant type: single nucleotide variant.
Coding change: c.644A>T on transcript NM_001184880.2 (MANE Select); coding-DNA position 644, A replaced by T.
Protein change: p.Asp215Val; replaces aspartic acid 215 with valine.
Molecular consequence: missense variant.
Genome position (GRCh38, 1-based): chrX:100,407,954, T>A on the plus strand (A>T on the coding strand, the complement: PCDH19 is on the minus strand). VCF-style: chrX-100407954-T-A. GRCh37 (hg19) VCF-style: chrX-99662952-T-A.
Other names: c.644A>T, p.Asp215Val (NM_001105243.2, NM_020766.3); short protein forms D215V.
Identifiers: ClinVar variation 1483987 (VCV001483987.6), dbSNP rs935781189, ClinGen allele CA414008879.

ClinVar aggregate classification (germline): Uncertain significance (1 of 4 stars; one submission).

Conditions:
Developmental and epileptic encephalopathy, 9 (DEE9). Also called: Early infantile epileptic encephalopathy 9; EPILEPSY, FEMALE-RESTRICTED, WITH MENTAL RETARDATION; PCDH19-Related X-Linked Female-Limited Epilepsy with Mental Retardation; JUBERG-HELLMAN SYNDROME. Identifiers: Orphanet 101039, Orphanet 2076, MedGen C1848137, MONDO:0010246, OMIM 300088. Disease mechanism: loss of function.

Submission:

Labcorp Genetics (formerly Invitae), Labcorp
Classification: Uncertain significance for Developmental and epileptic encephalopathy, 9. Last evaluated: 2022-11-01. Review status: criteria provided, single submitter. Criteria: Invitae Variant Classification Sherloc (09022015). Collection method: clinical testing. Allele origin: germline.
Comment: In summary, the available evidence is currently insufficient to determine the role of this variant in disease. Therefore, it has been classified as a Variant of Uncertain Significance. Advanced modeling of protein sequence and biophysical properties (such as structural, functional, and spatial information, amino acid conservation, physicochemical variation, residue mobility, and thermodynamic stability) performed at Invitae indicates that this missense variant is not expected to disrupt PCDH19 protein function. ClinVar contains an entry for this variant (Variation ID: 1483987). This variant has not been reported in the literature in individuals affected with PCDH19-related conditions. This variant is not present in population databases (gnomAD no frequency). This sequence change replaces aspartic acid, which is acidic and polar, with valine, which is neutral and non-polar, at codon 215 of the PCDH19 protein (p.Asp215Val).